The following is an entry in ClinVar:

NM_000359.3(TGM1):c.1223_1227del (p.Asp408fs)

Gene: TGM1 (transglutaminase 1; minus strand). Cytogenetic location: 14q12.
Variant type: Deletion.
Coding change: c.1223_1227del on transcript NM_000359.3 (MANE Select); coding-DNA positions 1223 to 1227, 5 bases deleted (ACACA; older notation c.1223_1227delACACA).
Protein change: p.Asp408fs; shifts the reading frame from aspartic acid 408.
Molecular consequence: frameshift variant.
Genome position (GRCh38, 1-based): chr14:24,258,606-24,258,610, TGTGT deleted on the plus strand (ACACA on the coding strand, the reverse complement: TGM1 is on the minus strand). VCF-style (leftmost placement, unchanged base first): chr14-24258605-ATGTGT-A. GRCh37 (hg19) VCF-style: chr14-24727811-ATGTGT-A.
Other names: c.1223_1227del (NM_000359.2); c.1223_1227delACACA (NM_000359.3); c.1223_1227del5 (NM_000359.2); short protein forms D408fs.
Identifiers: ClinVar variation 39537 (VCV000039537.26), dbSNP rs398122905, ClinGen allele CA261160.
Genomic context (GRCh38, chr14:24,258,605, plus strand): 5'-CATGGTTCAGGTGCTCCAGGGGCTTCATGTTCTCGTCGAAGTAGATGTCCATGGTAAGGG[ATGTGT>A]CTGTGTCGTGGGCGGAGTTGAAGTTGGTGACAGTACGGGTGGCCAGACCCAGGCAGCGCA-3'

ClinVar aggregate classification (germline): Pathogenic/Likely pathogenic. Review status: criteria provided, multiple submitters, no conflicts (2 of 4 stars). 9 submissions from 9 submitters: Pathogenic (6); Likely pathogenic (2). 1 of the submissions does not count toward it. Last evaluated 2026-06-22.

Conditions:
TGM1-related disorder. Also called: TGM1-related condition.
Lamellar ichthyosis. Identifiers: Orphanet 313, MedGen C5848247, MONDO:0017778.
Autosomal recessive congenital ichthyosis 1 (LI1). Also called: COLLODION FETUS; DESQUAMATION OF NEWBORN; ICHTHYOSIS, CONGENITAL, AUTOSOMAL RECESSIVE 1, WITH BATHING SUIT DISTRIBUTION; ICHTHYOSIS, CONGENITAL, AUTOSOMAL RECESSIVE 1, WITH OR WITHOUT BATHING SUIT DISTRIBUTION; ICHTHYOSIS CONGENITA; ICHTHYOSIS CONGENITA II. Identifiers: MedGen C4551630, MONDO:0009441, OMIM 242300.

Allele frequency attached by ClinVar (database versions not stated): gnomAD exomes 0.00001 and 0.00002; ExAC 0.00002; gnomAD 0.00002; TOPMed 0.00005.

Submissions (9):

Women's Health and Genetics/Laboratory Corporation of America, LabCorp
Classification: Pathogenic for Lamellar ichthyosis. Last evaluated: 2026-06-22. Review status: criteria provided, single submitter. Criteria: LabCorp Variant Classification Summary - May 2015. Collection method: clinical testing. Allele origin: germline.
Comment: Variant summary: TGM1 c.1223_1227delACACA (p.Asp408ValfsX21) results in a premature termination codon, predicted to cause a truncation of the encoded protein or absence of the protein due to nonsense mediated decay, which are commonly known mechanisms for disease. The variant allele was found at a frequency of 2.4e-05 in 251410 control chromosomes. c.1223_1227delACACA has been observed in individual(s) affected with TGM1-related conditions (example, Esposito_2013). These report(s) do not provide unequivocal conclusions about association of the variant with disease. To our knowledge, no experimental evidence demonstrating an impact on protein function has been reported. The following publication has been ascertained in the context of this evaluation (PMID: 23278109). ClinVar contains an entry for this variant (Variation ID: 39537). Based on the evidence outlined above, the variant was classified as pathogenic.

Labcorp Genetics (formerly Invitae), Labcorp
Classification: Pathogenic. Last evaluated: 2026-01-25. Review status: criteria provided, single submitter. Criteria: Invitae Variant Classification Sherloc (09022015). Collection method: clinical testing. Allele origin: germline.
Comment: This sequence change creates a premature translational stop signal (p.Asp408Valfs*21) in the TGM1 gene. It is expected to result in an absent or disrupted protein product. Loss-of-function variants in TGM1 are known to be pathogenic (PMID: 18948357, 19241467). This variant is present in population databases (rs398122905, gnomAD 0.01%). This premature translational stop signal has been observed in individual(s) with autosomal recessive congenital ichthyosis (PMID: 19241467, 21668430, 22511925, 23278109). In at least one individual the data is consistent with being in trans (on the opposite chromosome) from a pathogenic variant. ClinVar contains an entry for this variant (Variation ID: 39537). For these reasons, this variant has been classified as Pathogenic.

Natera, Inc.
Classification: Pathogenic for Autosomal recessive congenital ichthyosis type 1. Last evaluated: 2025-10-06. Review status: criteria provided, single submitter. Criteria: Natera Variant Classification Schema (03/2026). Collection method: clinical testing. Allele origin: germline.
Comment: The c.1223_1227delACACA variant in TGM1 is a frameshift variant predicted to shift the reading frame beginning at codon 408 and leads to a stop codon 21 codons downstream. This variant is expected to result in nonsense mediated decay, truncation, or a dysfunctional protein product. This variant is rare in the general population with a frequency below the threshold expected for the associated phenotype(s). This variant has been observed in one or more individuals affected with the associated recessive disease, as either homozygous or compound heterozygous with a second variant (PMID: 22511925). Given the available evidence, this variant is classified as Pathogenic.

PreventionGenetics, part of Exact Sciences
Classification: Pathogenic for TGM1-related condition. Last evaluated: 2024-12-07. Review status: criteria provided, single submitter. Criteria: ACMG Guidelines, 2015. Collection method: clinical testing. Allele origin: germline.
Comment: The TGM1 c.1223_1227del5 variant is predicted to result in a frameshift and premature protein termination (p.Asp408Valfs*21). This variant has been reported in individuals with congenital ichthyosis (see for example, Table S1, Herman et al. 2009. PubMed ID: 19241467; Fachal et al. 2012. PubMed ID: 22511925; Esposito et al. 2013. PubMed ID: 23278109; eTable 3, Sun et al. 2022. PubMed ID: 34851365). This variant is reported in 0.014% of alleles in individuals of Latino descent in gnomAD. Frameshift variants in TGM1 are expected to be pathogenic. This variant is interpreted as pathogenic.

Fulgent Genetics
Classification: Pathogenic for Autosomal recessive congenital ichthyosis 1. Last evaluated: 2024-02-14. Review status: criteria provided, single submitter. Criteria: ACMG Guidelines, 2015. Collection method: clinical testing. Allele origin: germline.

GeneDx
Classification: Pathogenic. Last evaluated: 2022-06-22. Review status: criteria provided, single submitter. Criteria: GeneDx Variant Classification Process June 2021. Collection method: clinical testing. Allele origin: germline. Affected: yes.
Comment: Frameshift variant predicted to result in protein truncation or nonsense mediated decay in a gene for which loss-of-function is a known mechanism of disease; This variant is associated with the following publications: (PMID: 22511925, 21668430, 19241467, 31589614)

Illumina Laboratory Services, Illumina
Classification: Likely pathogenic for Autosomal recessive congenital ichthyosis 1. Last evaluated: 2017-04-28. Review status: criteria provided, single submitter. Criteria: ICSL Variant Classification Criteria 09 May 2019. Collection method: clinical testing. Allele origin: germline.
Comment: The TGM1 c.1223_1227delACACA (p.Asp408ValfsTer21) variant results in a frameshift and is predicted to result in premature termination of the protein. The p.Asp408ValfsTer21 variant has been reported in four studies in which it is found in a total of eight patients with congenital ichthyosis, including in three in a homozygous state and in five in a compound heterozygous state with the same stop-gained variant on the second allele (Herman et al. 2009; RodrÃ­guez-Pazos et al. 2011; Fachal et al. 2012; Esposito et al. 2013). Facal et al. (2012) report the variant to be present in 21% of disease alleles in the Galician region of Spain. Control data are unavailable for this variant, which is reported at a frequency of 0.00002 in the total population of the Exome Aggregation Consortium. Due to the potential impact of frameshift variants and the supporting evidence from the literature, the p.Asp408ValfsTer21 variant is classified as likely pathogenic for congenital ichthyosis. This variant was observed by ICSL as part of a predisposition screen in an ostensibly healthy population.

Genome-Nilou Lab
Classification: Likely pathogenic for Autosomal recessive congenital ichthyosis 1. Review status: criteria provided, single submitter. Criteria: ACMG Guidelines, 2015. Collection method: clinical testing. Allele origin: germline.

OMIM
Classification: Pathogenic for ICHTHYOSIS, CONGENITAL, AUTOSOMAL RECESSIVE 1. Last evaluated: 2011-10-01. Review status: no assertion criteria provided. Collection method: literature only. Allele origin: germline. Not counted in ClinVar's aggregate classification.

Literature cited by the submitters: PubMed 23278109 (cited by 3 submitters); PubMed 18948357 (cited by Labcorp Genetics (formerly Invitae), Labcorp); PubMed 19241467 (cited by Labcorp Genetics (formerly Invitae), Labcorp and Illumina Laboratory Services, Illumina); PubMed 21668430 (cited by 3 submitters); PubMed 22511925 (cited by 3 submitters).